The following is an entry in ClinVar:

ClinVar aggregate classification (germline): Uncertain significance. Review status: criteria provided, multiple submitters, no conflicts (2 of 4 stars). 2 submissions from 2 submitters: Uncertain significance (2). Last evaluated 2025-07-23.

Conditions:
Leber congenital amaurosis 7 (LCA7). Identifiers: Orphanet 65, MedGen C3151192, MONDO:0013449, OMIM 613829.
Cone-rod dystrophy 2 (CORD2). Also called: CONE-ROD RETINAL DYSTROPHY; Cone-rod retinal dystrophy 2. Identifiers: Orphanet 1872, MedGen C3489532, MONDO:0007362, OMIM 120970.
Inborn genetic diseases. Identifiers: MedGen C0950123, MeSH D030342.

Allele frequency attached by ClinVar (database versions not stated): gnomAD 0.00001; gnomAD exomes 0.00002 and 0.00004; TOPMed 0.00002; ExAC 0.00003.

Submissions (2):

Labcorp Genetics (formerly Invitae), Labcorp
Classification: Uncertain significance for Cone-rod dystrophy 2; Leber congenital amaurosis 7. Last evaluated: 2025-07-23. Review status: criteria provided, single submitter. Criteria: Invitae Variant Classification Sherloc (09022015). Collection method: clinical testing. Allele origin: germline.
Comment: This sequence change replaces glutamine, which is neutral and polar, with arginine, which is basic and polar, at codon 28 of the CRX protein (p.Gln28Arg). This variant is present in population databases (rs781577708, gnomAD 0.008%). This variant has not been reported in the literature in individuals affected with CRX-related conditions. ClinVar contains an entry for this variant (Variation ID: 1060944). Invitae Evidence Modeling of protein sequence and biophysical properties (such as structural, functional, and spatial information, amino acid conservation, physicochemical variation, residue mobility, and thermodynamic stability) indicates that this missense variant is not expected to disrupt CRX protein function with a negative predictive value of 95%. In summary, the available evidence is currently insufficient to determine the role of this variant in disease. Therefore, it has been classified as a Variant of Uncertain Significance.

Ambry Genetics
Classification: Uncertain significance for Inborn genetic diseases. Last evaluated: 2024-10-11. Review status: criteria provided, single submitter. Criteria: Ambry Variant Classification Scheme 2023. Collection method: clinical testing. Allele origin: germline.

NM_000554.6(CRX):c.83A>G (p.Gln28Arg)

Gene: CRX (cone-rod homeobox; plus strand). Cytogenetic location: 19q13.33.
Variant type: single nucleotide variant.
Coding change: c.83A>G on transcript NM_000554.6 (MANE Select); coding-DNA position 83, A replaced by G.
Protein change: p.Gln28Arg; replaces glutamine 28 with arginine.
Molecular consequence: missense variant.
Genome position (GRCh38, 1-based): chr19:47,834,526, A>G. VCF-style: chr19-47834526-A-G. GRCh37 (hg19) VCF-style: chr19-48337783-A-G.
Other names: c.83A>G (NM_000554.4); short protein forms Q28R.
Identifiers: ClinVar variation 1060944 (VCV001060944.10), dbSNP rs781577708, ClinGen allele CA9544380.